The following is an entry in ClinVar:

NM_182914.3(SYNE2):c.7300C>T (p.Arg2434Trp)

Gene: SYNE2 (spectrin repeat containing nuclear envelope protein 2; plus strand). Cytogenetic location: 14q23.2.
Variant type: single nucleotide variant.
Coding change: c.7300C>T on transcript NM_182914.3 (MANE Select); coding-DNA position 7300, C replaced by T.
Protein change: p.Arg2434Trp; replaces arginine 2434 with tryptophan.
Molecular consequence: missense variant.
Genome position (GRCh38, 1-based): chr14:64,048,078, C>T. VCF-style: chr14-64048078-C-T. GRCh37 (hg19) VCF-style: chr14-64514796-C-T.
Other names: c.7300C>T (NM_182914.2); c.7300C>T, p.Arg2434Trp (NM_015180.6); short protein forms R2434W.
Identifiers: ClinVar variation 283291 (VCV000283291.15), dbSNP rs570233690, ClinGen allele CA7220893.
Genomic context (GRCh38, chr14:64,048,078, plus strand): 5'-GCTATGTCAAAACAACTTTCTCTTAATGCTCAAGAAAGCATGAAAAACACTGAAGATGAG[C>T]GGAAAGTCAATGAGCTGCAAAATCAACCTTTAGAATTAGATACTATGTTAAGAAATGAAC-3'
Protein context (NP_878918.2, residues 2424-2444): QESMKNTEDE[Arg2434Trp]KVNELQNQPL

ClinVar aggregate classification (germline): Uncertain significance. Review status: criteria provided, multiple submitters, no conflicts (2 of 4 stars). 3 submissions from 3 submitters: Uncertain significance (3). Last evaluated 2025-09-16.

Conditions:
Emery-Dreifuss muscular dystrophy 5, autosomal dominant (EDMD5). Also called: EMERY-DREIFUSS MUSCULAR DYSTROPHY 5. Identifiers: Orphanet 261, MedGen C2751805, MONDO:0013072, OMIM 612999.

Allele frequency attached by ClinVar (database versions not stated): gnomAD exomes 0.00001 and 0.00003; ExAC 0.00002; TOPMed 0.00005; gnomAD 0.00006; 1000 Genomes Project 30x 0.00016; 1000 Genomes Project 0.00020.
gnomAD v4.1: 28 of 1,613,336 alleles (0.0017%); highest among the groups gnomAD compares: Middle Eastern, 0.017%; no homozygotes.

Submissions (3):

Labcorp Genetics (formerly Invitae), Labcorp
Classification: Uncertain significance for Emery-Dreifuss muscular dystrophy 5, autosomal dominant. Last evaluated: 2025-09-16. Review status: criteria provided, single submitter. Criteria: Invitae Variant Classification Sherloc (09022015). Collection method: clinical testing. Allele origin: germline.
Comment: This sequence change replaces arginine, which is basic and polar, with tryptophan, which is neutral and slightly polar, at codon 2434 of the SYNE2 protein (p.Arg2434Trp). This variant is present in population databases (rs570233690, gnomAD 0.01%). This variant has not been reported in the literature in individuals affected with SYNE2-related conditions. ClinVar contains an entry for this variant (Variation ID: 283291). An algorithm developed to predict the effect of missense changes on protein structure and function (PolyPhen-2) suggests that this variant is likely to be disruptive. In summary, the available evidence is currently insufficient to determine the role of this variant in disease. Therefore, it has been classified as a Variant of Uncertain Significance.

Revvity Omics, Revvity
Classification: Uncertain significance for Emery-Dreifuss muscular dystrophy 5, autosomal dominant. Last evaluated: 2019-04-25. Review status: criteria provided, single submitter. Criteria: ACMG Guidelines, 2015. Collection method: clinical testing. Allele origin: germline.

Eurofins Ntd Llc (ga)
Classification: Uncertain significance. Last evaluated: 2015-09-10. Review status: criteria provided, single submitter. Criteria: EGL Classification Definitions 2015. Collection method: clinical testing. Allele origin: germline. Observed: 2 variant alleles, 2 heterozygotes.